The following is an entry in ClinVar:

NM_002113.3(CFHR1):c.643G>A (p.Asp215Asn)

Gene: CFHR1 (complement factor H related 1; plus strand). Cytogenetic location: 1q31.3.
Variant type: single nucleotide variant.
Coding change: c.643G>A on transcript NM_002113.3 (MANE Select); coding-DNA position 643, G replaced by A.
Protein change: p.Asp215Asn; replaces aspartic acid 215 with asparagine.
Molecular consequence: missense variant.
Genome position (GRCh38, 1-based): chr1:196,830,535, G>A. VCF-style: chr1-196830535-G-A. GRCh37 (hg19) VCF-style: chr1-196799665-G-A.
Other names: c.592G>A, p.Asp198Asn (NM_001379306.1); c.481G>A, p.Asp161Asn (NM_001379307.1); c.478G>A, p.Asp160Asn (NM_001379308.1); c.475G>A, p.Asp159Asn (NM_001379309.1); c.448G>A, p.Asp150Asn (NM_001379310.1); c.439G>A, p.Asp147Asn (NM_001379311.1); c.400G>A, p.Asp134Asn (NM_001379312.1); short protein forms D160N, D198N, D134N, D150N, D159N, D215N, D147N, D161N.
Identifiers: ClinVar variation 1029559 (VCV001029559.1), dbSNP rs781409951, ClinGen allele CA1306548.

ClinVar aggregate classification (germline): Uncertain significance (1 of 4 stars; one submission).

Conditions:
Hemolytic uremic syndrome, atypical, susceptibility to, 1. Also called: AHUS, SUSCEPTIBILITY TO, 1. Identifiers: Orphanet 2134, Orphanet 90038, MedGen C2749604, MONDO:0009335, OMIM 235400. Disease mechanism: Other.

Allele frequency attached by ClinVar (database versions not stated): ExAC 0.00001; gnomAD 0.00002.

Submission:

Baylor Genetics
Classification: Uncertain significance for Hemolytic uremic syndrome, atypical, susceptibility to, 1. Last evaluated: 2020-07-08. Review status: criteria provided, single submitter. Criteria: ACMG Guidelines, 2015. Collection method: clinical testing. Allele origin: unknown. Affected: yes.
Comment: This variant was determined to be of uncertain significance according to ACMG Guidelines, 2015 [PMID:25741868].